The following is an entry in ClinVar:

NM_001040142.2(SCN2A):c.685T>G (p.Ser229Ala)

Gene: SCN2A (sodium voltage-gated channel alpha subunit 2; plus strand). Cytogenetic location: 2q24.3.
Variant type: single nucleotide variant.
Coding change: c.685T>G on transcript NM_001040142.2 (MANE Select); coding-DNA position 685, T replaced by G.
Protein change: p.Ser229Ala; replaces serine 229 with alanine.
Molecular consequence: missense variant. On other transcripts: intron variant (2).
Genome position (GRCh38, 1-based): chr2:165,309,431, T>G. VCF-style: chr2-165309431-T-G. GRCh37 (hg19) VCF-style: chr2-166165941-T-G.
Other names: c.685T>G, p.Ser229Ala (NM_001371247.1, NM_021007.3); c.697+175T>G (NM_001040143.2, NM_001371246.1); short protein forms S229A.
Identifiers: ClinVar variation 464920 (VCV000464920.9), dbSNP rs1553567561, ClinGen allele CA349017594.

ClinVar aggregate classification (germline): Likely pathogenic (1 of 4 stars; one submission).

Conditions:
Developmental and epileptic encephalopathy, 11 (DEE11). Also called: Early infantile epileptic encephalopathy 11. Identifiers: Orphanet 1934, MedGen C3150987, MONDO:0013388, OMIM 613721.
Seizures, benign familial infantile, 3 (BFIS3). Also called: CONVULSIONS, BENIGN FAMILIAL INFANTILE, 3; Familial neonatal seizures. Identifiers: Orphanet 140927, Orphanet 306, MedGen C1843140, MONDO:0011904, OMIM 607745.

Submission:

Labcorp Genetics (formerly Invitae), Labcorp
Classification: Likely pathogenic for Seizures, benign familial infantile, 3; Developmental and epileptic encephalopathy, 11. Last evaluated: 2018-02-08. Review status: criteria provided, single submitter. Criteria: Invitae Variant Classification Sherloc (09022015). Collection method: clinical testing. Allele origin: germline.
Comment: This sequence change replaces serine with alanine at codon 229 of the SCN2A protein (p.Ser229Ala). The serine residue is highly conserved and there is a moderate physicochemical difference between serine and alanine. This variant is not present in population databases (ExAC no frequency). This variant has been reported to be de novo in an individual affected with seizures (Invitae database). ClinVar contains an entry for this variant (Variation ID: 464920). Algorithms developed to predict the effect of missense changes on protein structure and function do not agree on the potential impact of this missense change (SIFT: "Deleterious"; PolyPhen-2: "Probably Damaging"; Align-GVGD: "Class C0"). In summary, the currently available evidence indicates that the variant is pathogenic, but additional data are needed to prove that conclusively. Therefore, this variant has been classified as Likely Pathogenic.